The following is an entry in ClinVar:

ClinVar aggregate classification (germline): Uncertain significance. Review status: criteria provided, multiple submitters, no conflicts (2 of 4 stars). 3 submissions from 3 submitters: Uncertain significance (3). Last evaluated 2025-05-24.

Conditions:
Cardiovascular phenotype. Identifiers: MedGen CN230736.
Myofibrillar myopathy 4. Also called: Zaspopathy (type). Identifiers: Orphanet 98912, MedGen C4721886, MONDO:0012277, OMIM 609452.

Allele frequency attached by ClinVar (database versions not stated): gnomAD exomes below 0.00001 and 0.00001; ExAC 0.00001.
gnomAD v4.1: 11 of 1,614,148 alleles (0.00068%); highest among the groups gnomAD compares: African/African-American, 0.0027%; no homozygotes.

Submissions (3):

Ambry Genetics
Classification: Uncertain significance for Cardiovascular phenotype. Last evaluated: 2025-05-24. Review status: criteria provided, single submitter. Criteria: Ambry Variant Classification Scheme 2023. Collection method: clinical testing. Allele origin: germline.
Comment: The p.N56S variant (also known as c.167A>G), located in coding exon 2 of the LDB3 gene, results from an A to G substitution at nucleotide position 167. The asparagine at codon 56 is replaced by serine, an amino acid with highly similar properties. This amino acid position is conserved. In addition, this alteration is predicted to be tolerated by in silico analysis. Based on the available evidence, the clinical significance of this variant remains unclear.

GeneDx
Classification: Uncertain significance. Last evaluated: 2024-02-06. Review status: criteria provided, single submitter. Criteria: GeneDx Variant Classification Process June 2021. Collection method: clinical testing. Allele origin: germline. Affected: yes.
Comment: Has not been previously published as pathogenic or benign to our knowledge; Not observed at significant frequency in large population cohorts (gnomAD); In silico analysis supports that this missense variant does not alter protein structure/function

Labcorp Genetics (formerly Invitae), Labcorp
Classification: Uncertain significance for Myofibrillar myopathy 4. Last evaluated: 2020-10-08. Review status: criteria provided, single submitter. Criteria: Invitae Variant Classification Sherloc (09022015). Collection method: clinical testing. Allele origin: germline.
Comment: In summary, the available evidence is currently insufficient to determine the role of this variant in disease. Therefore, it has been classified as a Variant of Uncertain Significance. Algorithms developed to predict the effect of missense changes on protein structure and function output the following: SIFT: "Tolerated"; PolyPhen-2: "Benign"; Align-GVGD: "Class C0". The serine amino acid residue is found in multiple mammalian species, suggesting that this missense change does not adversely affect protein function. These predictions have not been confirmed by published functional studies and their clinical significance is uncertain. This variant has not been reported in the literature in individuals with LDB3-related disease. This variant is present in population databases (rs751482077, ExAC 0.001%). This sequence change replaces asparagine with serine at codon 56 of the LDB3 protein (p.Asn56Ser). The asparagine residue is moderately conserved and there is a small physicochemical difference between asparagine and serine.

NM_007078.3(LDB3):c.167A>G (p.Asn56Ser)

Gene: LDB3 (LIM domain binding 3; plus strand). Cytogenetic location: 10q23.2.
Variant type: single nucleotide variant.
Coding change: c.167A>G on transcript NM_007078.3 (MANE Select); coding-DNA position 167, A replaced by G.
Protein change: p.Asn56Ser; replaces asparagine 56 with serine.
Molecular consequence: missense variant.
Genome position (GRCh38, 1-based): chr10:86,679,440, A>G. VCF-style: chr10-86679440-A-G. GRCh37 (hg19) VCF-style: chr10-88439197-A-G.
Other names: c.167A>G, p.Asn56Ser (NM_001080114.2, NM_001080115.2, NM_001171610.2 and 8 more transcripts); c.167A>G (NM_007078.2); short protein forms N56S.
Identifiers: ClinVar variation 944161 (VCV000944161.12), dbSNP rs751482077, ClinGen allele CA5584605.
Genomic context (GRCh38, chr10:86,679,440, plus strand): 5'-GCAAGGCAGCCCAGTCCCAGCTCAGCCAGGGTGACCTCGTGGTGGCCATTGACGGCGTCA[A>G]CACAGACACCATGACCCACCTGGAAGCCCAGAACAAGATCAAGTCTGCCAGCTACAACTT-3'
Protein context (NP_009009.1, residues 46-66): GDLVVAIDGV[Asn56Ser]TDTMTHLEAQ